The following is an entry in ClinVar:

NM_001256545.2(MEGF10):c.2323A>G (p.Thr775Ala)

Gene: MEGF10 (multiple EGF like domains 10; plus strand). Cytogenetic location: 5q23.2.
Variant type: single nucleotide variant.
Coding change: c.2323A>G on transcript NM_001256545.2 (MANE Select); coding-DNA position 2323, A replaced by G.
Protein change: p.Thr775Ala; replaces threonine 775 with alanine.
Molecular consequence: missense variant.
Genome position (GRCh38, 1-based): chr5:127,440,828, A>G. VCF-style: chr5-127440828-A-G. GRCh37 (hg19) VCF-style: chr5-126776520-A-G.
Other names: c.2323A>G, p.Thr775Ala (NM_032446.3); short protein forms T775A.
Identifiers: ClinVar variation 2152426 (VCV002152426.1), dbSNP rs2479772791, ClinGen allele CA360733548.

ClinVar aggregate classification (germline): Uncertain significance (1 of 4 stars; one submission).

Conditions:
MEGF10-related myopathy (CMYO10A). Also called: Congenital myopathy 10A, severe variant. Identifiers: Orphanet 439212, MedGen C3280679, MONDO:0013731, OMIM 614399.

Allele frequency attached by ClinVar (database versions not stated): gnomAD exomes below 0.00001.
gnomAD v4.1: 3 of 1,614,138 alleles (0.00019%); highest among the groups gnomAD compares: Non-Finnish European, 0.00025%; no homozygotes.

Submission:

Labcorp Genetics (formerly Invitae), Labcorp
Classification: Uncertain significance for MEGF10-related myopathy. Last evaluated: 2022-08-21. Review status: criteria provided, single submitter. Criteria: Invitae Variant Classification Sherloc (09022015). Collection method: clinical testing. Allele origin: germline.
Comment: This sequence change replaces threonine, which is neutral and polar, with alanine, which is neutral and non-polar, at codon 775 of the MEGF10 protein (p.Thr775Ala). This variant is not present in population databases (gnomAD no frequency). This variant has not been reported in the literature in individuals affected with MEGF10-related conditions. Algorithms developed to predict the effect of missense changes on protein structure and function (SIFT, PolyPhen-2, Align-GVGD) all suggest that this variant is likely to be disruptive. In summary, the available evidence is currently insufficient to determine the role of this variant in disease. Therefore, it has been classified as a Variant of Uncertain Significance.